The following is an entry in ClinVar:

NM_001174147.2(LMX1B):c.875G>T (p.Arg292Leu)

Gene: LMX1B (LIM homeobox transcription factor 1 beta; plus strand). Cytogenetic location: 9q33.3.
Variant type: single nucleotide variant.
Coding change: c.875G>T on transcript NM_001174147.2 (MANE Select); coding-DNA position 875, G replaced by T.
Protein change: p.Arg292Leu; replaces arginine 292 with leucine.
Molecular consequence: missense variant.
Genome position (GRCh38, 1-based): chr9:126,693,801, G>T. VCF-style: chr9-126693801-G-T. GRCh37 (hg19) VCF-style: chr9-129456080-G-T.
Other names: c.875G>T, p.Arg292Leu (NM_001174146.2, NM_002316.4); c.875G>T (NM_002316.3); short protein forms R292L.
Identifiers: ClinVar variation 2146086 (VCV002146086.5), dbSNP rs775625232, ClinGen allele CA5242454.

ClinVar aggregate classification (germline): Conflicting classifications of pathogenicity. Review status: criteria provided, conflicting classifications (1 of 4 stars). 2 submissions from 2 submitters: Uncertain significance (1); Likely benign (1). Last evaluated 2025-12-24.

gnomAD v4.1: 63 of 1,374,474 alleles (0.0046%); highest among the groups gnomAD compares: Admixed American, 0.12%; no homozygotes.

Submissions (2):

Labcorp Genetics (formerly Invitae), Labcorp
Classification: Likely benign. Last evaluated: 2025-12-24. Review status: criteria provided, single submitter. Criteria: Invitae Variant Classification Sherloc (09022015). Collection method: clinical testing. Allele origin: germline.

GeneDx
Classification: Uncertain significance. Last evaluated: 2025-05-30. Review status: criteria provided, single submitter. Criteria: GeneDx Variant Classification Process June 2021. Collection method: clinical testing. Allele origin: germline. Affected: yes.
Comment: In silico analysis supports that this missense variant has a deleterious effect on protein structure/function; This variant is associated with the following publications: (PMID: 31598726)